The following is an entry in ClinVar:

ClinVar aggregate classification (germline): Uncertain significance. Review status: criteria provided, multiple submitters, no conflicts (2 of 4 stars). 2 submissions from 2 submitters: Uncertain significance (2). Last evaluated 2022-05-06.

Conditions:
Inborn genetic diseases. Identifiers: MedGen C0950123, MeSH D030342.

Allele frequency attached by ClinVar (database versions not stated): gnomAD 0.00001; ExAC 0.00004; TOPMed 0.00006; gnomAD exomes 0.00007.
gnomAD v4.1: 20 of 1,585,048 alleles (0.0013%); highest among the groups gnomAD compares: Admixed American, 0.033%; no homozygotes.

Submissions (2):

Labcorp Genetics (formerly Invitae), Labcorp
Classification: Uncertain significance. Last evaluated: 2022-05-06. Review status: criteria provided, single submitter. Criteria: Invitae Variant Classification Sherloc (09022015). Collection method: clinical testing. Allele origin: germline.
Comment: In summary, the available evidence is currently insufficient to determine the role of this variant in disease. Therefore, it has been classified as a Variant of Uncertain Significance. Variants that disrupt the consensus splice site are a relatively common cause of aberrant splicing (PMID: 17576681, 9536098). Algorithms developed to predict the effect of sequence changes on RNA splicing suggest that this variant is not likely to affect RNA splicing. This variant has not been reported in the literature in individuals affected with NUBPL-related conditions. This variant is present in population databases (rs777457120, gnomAD 0.05%). This sequence change falls in intron 4 of the NUBPL gene. It does not directly change the encoded amino acid sequence of the NUBPL protein. It affects a nucleotide within the consensus splice site.

Ambry Genetics
Classification: Uncertain significance for Inborn genetic diseases. Last evaluated: 2021-10-12. Review status: criteria provided, single submitter. Criteria: Ambry Variant Classification Scheme 2023. Collection method: clinical testing. Allele origin: germline.
Comment: The c.382+3A>G intronic alteration consists of a A to G substitution nucleotides after coding exon 4 in the NUBPL gene. Based on insufficient or conflicting evidence, the clinical significance of this alteration remains unclear.

Literature cited by the submitters: PubMed 17576681 (cited by Labcorp Genetics (formerly Invitae), Labcorp); PubMed 9536098 (cited by Labcorp Genetics (formerly Invitae), Labcorp).

NM_025152.3(NUBPL):c.382+3A>G

Gene: NUBPL (NUBP iron-sulfur cluster assembly factor, mitochondrial; plus strand). Cytogenetic location: 14q12.
Variant type: single nucleotide variant.
Coding change: c.382+3A>G on transcript NM_025152.3 (MANE Select); 3 bases into the intron after coding-DNA position 382, A replaced by G.
Molecular consequence: intron variant.
Genome position (GRCh38, 1-based): chr14:31,599,382, A>G. VCF-style: chr14-31599382-A-G. GRCh37 (hg19) VCF-style: chr14-32068588-A-G.
Other names: c.94+3A>G (NM_001201573.2); c.382+3A>G (NM_025152.2).
Identifiers: ClinVar variation 1361043 (VCV001361043.5), dbSNP rs777457120, ClinGen allele CA7147821.